The following is an entry in ClinVar:

ClinVar aggregate classification (germline): Conflicting classifications of pathogenicity. Review status: criteria provided, conflicting classifications (1 of 4 stars). 3 submissions from 3 submitters: Uncertain significance (2); Likely benign (1). Last evaluated 2025-05-06.

Conditions:
TTN-related disorder. Also called: TTN-related disorders; TTN-related condition; TTN-related disease.

Allele frequency attached by ClinVar (database versions not stated): ExAC 0.00007.
gnomAD v4.1: 99 of 1,613,430 alleles (0.0061%); highest among the groups gnomAD compares: South Asian, 0.096%; no homozygotes.

Submissions (3):

PreventionGenetics, part of Exact Sciences
Classification: Uncertain significance for TTN-related condition. Last evaluated: 2025-05-06. Review status: criteria provided, single submitter. Criteria: ACMG Guidelines, 2015. Collection method: clinical testing. Allele origin: germline.
Comment: The TTN c.20999A>G variant is predicted to result in the amino acid substitution p.Asn7000Ser. To our knowledge, this variant has not been reported in the literature. This variant is reported in 0.072% of alleles in individuals of South Asian descent in gnomAD, which is likely too common for an undocumented disease-causing variant. Although we suspect that this variant may be benign, at this time, the clinical significance of this variant is uncertain due to the absence of conclusive functional and genetic evidence.

Revvity Omics, Revvity
Classification: Uncertain significance. Last evaluated: 2020-03-29. Review status: criteria provided, single submitter. Criteria: ACMG Guidelines, 2015. Collection method: clinical testing. Allele origin: germline.

GeneDx
Classification: Likely benign. Last evaluated: 2018-05-07. Review status: criteria provided, single submitter. Criteria: GeneDx Variant Classification (06012015). Collection method: clinical testing. Allele origin: germline. Affected: yes.
Comment: This variant is considered likely benign or benign based on one or more of the following criteria: it is a conservative change, it occurs at a poorly conserved position in the protein, it is predicted to be benign by multiple in silico algorithms, and/or has population frequency not consistent with disease.

NM_001267550.2(TTN):c.20999A>G (p.Asn7000Ser)

Genes: TTN (titin; minus strand), LOC126806428 (BRD4-independent group 4 enhancer GRCh37_chr2:179588362-179589561; plus strand). Cytogenetic location: 2q31.2.
Variant type: single nucleotide variant.
Coding change: c.20999A>G on transcript NM_001267550.2 (MANE Select); coding-DNA position 20999, A replaced by G.
Protein change: p.Asn7000Ser; replaces asparagine 7000 with serine.
Molecular consequence: missense variant. On other transcripts: intron variant (3).
Genome position (GRCh38, 1-based): chr2:178,724,376, T>C on the plus strand (A>G on the coding strand, the complement: TTN is on the minus strand). VCF-style: chr2-178724376-T-C. GRCh37 (hg19) VCF-style: chr2-179589103-T-C.
Other names: c.20048A>G, p.Asn6683Ser (NM_001256850.1); c.17267A>G, p.Asn5756Ser (NM_133378.4); c.13282+13706A>G (NM_003319.4); c.13858+13706A>G (NM_133437.4); c.13657+13706A>G (NM_133432.3); short protein forms N7000S, N5756S, N6683S.
Identifiers: ClinVar variation 668181 (VCV000668181.5), dbSNP rs764035021, ClinGen allele CA2001098.
Genomic context (GRCh38, chr2:178,724,376, plus strand): 5'-AAAGTGTATGTGCCTGCATCTTGCCTTTCAACTGAGAGAATCCTTAAGGAAGAGATTTTG[T>C]TGTAGAAGCTAAATTTGTGTTTTTGGCTGCTGGTCAACAGCTTTCCATCCTTGTACCATT-3'
Protein context (NP_001254479.2, residues 6990-7010): SSQKHKFSFY[Asn7000Ser]KISSLRILSV